The following is an entry in ClinVar:

ClinVar aggregate classification (germline): Uncertain significance. Review status: criteria provided, multiple submitters, no conflicts (2 of 4 stars). 3 submissions from 3 submitters: Uncertain significance (3). Last evaluated 2024-04-19.

Conditions:
Diabetes mellitus, ketosis-prone (KPD). Identifiers: MedGen C3837958, MONDO:0100180, OMIM 612227.
Maturity-onset diabetes of the young type 9 (MODY9). Identifiers: Orphanet 552, MedGen C2677132, MONDO:0012818, OMIM 612225.
Type 2 diabetes mellitus. Also called: Type II diabetes mellitus. Identifiers: MedGen C0011860, MeSH D003924, MONDO:0005148, OMIM 125853, HP:0005978.

Allele frequency attached by ClinVar (database versions not stated): gnomAD exomes 0.00006 and 0.00007; ExAC 0.00007; TOPMed 0.00007; ESP Exome Variant Server 0.00015; 1000 Genomes Project 30x 0.00016; 1000 Genomes Project 0.00020.
gnomAD v4.1: 124 of 1,614,146 alleles (0.0077%); highest among the groups gnomAD compares: African/African-American, 0.012%; no homozygotes.

Submissions (3):

Ambry Genetics
Classification: Uncertain significance. Last evaluated: 2024-04-19. Review status: criteria provided, single submitter. Criteria: Ambry Variant Classification Scheme 2023. Collection method: clinical testing. Allele origin: germline.

Labcorp Genetics (formerly Invitae), Labcorp
Classification: Uncertain significance. Last evaluated: 2022-02-19. Review status: criteria provided, single submitter. Criteria: Invitae Variant Classification Sherloc (09022015). Collection method: clinical testing. Allele origin: germline.
Comment: In summary, the available evidence is currently insufficient to determine the role of this variant in disease. Therefore, it has been classified as a Variant of Uncertain Significance. Algorithms developed to predict the effect of missense changes on protein structure and function are either unavailable or do not agree on the potential impact of this missense change (SIFT: "Deleterious"; PolyPhen-2: "Probably Damaging"; Align-GVGD: "Class C0"). ClinVar contains an entry for this variant (Variation ID: 358802). This variant has not been reported in the literature in individuals affected with PAX4-related conditions. This variant is present in population databases (rs145284016, gnomAD 0.02%). This sequence change replaces arginine, which is basic and polar, with histidine, which is basic and polar, at codon 183 of the PAX4 protein (p.Arg183His).

Fulgent Genetics
Classification: Uncertain significance for Type 2 diabetes mellitus; Maturity-onset diabetes of the young type 9; Diabetes mellitus, ketosis-prone. Last evaluated: 2022-01-26. Review status: criteria provided, single submitter. Criteria: ACMG Guidelines, 2015. Collection method: clinical testing. Allele origin: unknown.

NM_001366110.1(PAX4):c.572G>A (p.Arg191His)

Gene: PAX4 (paired box 4; minus strand). Cytogenetic location: 7q32.1.
Variant type: single nucleotide variant.
Coding change: c.572G>A on transcript NM_001366110.1 (MANE Select); coding-DNA position 572, G replaced by A.
Protein change: p.Arg191His; replaces arginine 191 with histidine.
Molecular consequence: missense variant.
Genome position (GRCh38, 1-based): chr7:127,613,523, C>T on the plus strand (G>A on the coding strand, the complement: PAX4 is on the minus strand). VCF-style: chr7-127613523-C-T. GRCh37 (hg19) VCF-style: chr7-127253577-C-T.
Other names: c.572G>A, p.Arg191His (NM_001366111.1); short protein forms R191H.
Identifiers: ClinVar variation 358802 (VCV000358802.12), dbSNP rs145284016, ClinGen allele CA4468027.
Genomic context (GRCh38, chr7:127,613,523, plus strand): 5'-TCAGGCAGAGAGGTGGCAGTAGCCAGCTTTCCACGGGCCACTGAATCAGGATACTGCCCA[C>T]GCTGGAACTCTGCGGAGATCGAGTCTCACAAAGTAAGGGCACCGGGAGAGGAGCAAGGCA-3'
Protein context (NP_001353039.1, residues 181-201): QAEALEKEFQ[Arg191His]GQYPDSVARG